The following is an entry in ClinVar:

ClinVar aggregate classification (germline): Pathogenic (1 of 4 stars; one submission).

Submission:

GeneDx
Classification: Pathogenic. Last evaluated: 2023-01-12. Review status: criteria provided, single submitter. Criteria: GeneDx Variant Classification Process June 2021. Collection method: clinical testing. Allele origin: germline. Affected: yes.
Comment: Frameshift variant predicted to result in protein truncation or nonsense mediated decay in a gene for which loss of function is a known mechanism of disease; Not observed at significant frequency in large population cohorts (gnomAD); Has not been previously published as pathogenic or benign to our knowledge

NM_000214.3(JAG1):c.1890del (p.Asn631fs)

Gene: JAG1 (jagged canonical Notch ligand 1; minus strand). Cytogenetic location: 20p12.2.
Variant type: Deletion.
Coding change: c.1890del on transcript NM_000214.3 (MANE Select); coding-DNA position 1890, one base deleted (T; older notation c.1890delT).
Protein change: p.Asn631fs; shifts the reading frame from asparagine 631.
Molecular consequence: frameshift variant.
Genome position (GRCh38, 1-based): chr20:10,646,080, A deleted on the plus strand (T on the coding strand, the reverse complement: JAG1 is on the minus strand); the first of 2 consecutive A bases (chr20:10,646,080-10,646,081); deleting either gives the same sequence. VCF-style (leftmost placement, unchanged base first): chr20-10646079-TA-T. GRCh37 (hg19) VCF-style: chr20-10626727-TA-T.
Other names: short protein forms N631fs.
Identifiers: ClinVar variation 2572817 (VCV002572817.1), dbSNP rs2514514531, ClinGen allele CA2580615002.